The following is an entry in ClinVar:

NM_213655.5(WNK1):c.2244_2245del (p.Cys749fs)

Gene: WNK1 (WNK lysine deficient protein kinase 1; plus strand). Cytogenetic location: 12p13.33.
Variant type: Deletion.
Coding change: c.2244_2245del on transcript NM_213655.5 (MANE Plus Clinical); coding-DNA positions 2244 to 2245, 2 bases deleted (CT; older notation c.2244_2245delCT).
Protein change: p.Cys749fs; shifts the reading frame from cysteine 749.
Molecular consequence: frameshift variant. On other transcripts: intron variant (3).
Genome position (GRCh38, 1-based): chr12:865,214-865,215, CT deleted; deleting any 2 consecutive bases within chr12:865,213-865,215 gives the same sequence; the c. name uses the placement nearest the transcript's 3' end. VCF-style (leftmost placement, unchanged base first): chr12-865212-GTC-G. GRCh37 (hg19) VCF-style: chr12-974378-GTC-G.
Other names: c.2140-2652_2140-2651del (NM_001184985.2); c.2139+2944_2139+2945del (NM_018979.4, NM_014823.3); short protein forms C749fs.
Identifiers: ClinVar variation 959561 (VCV000959561.9), dbSNP rs1951558359, ClinGen allele CA1139662450.
Genomic context (GRCh38, chr12:865,212, plus strand): 5'-CTGCTGTTGCCTCTGTGTCCCGCATCTCTCCCAGTGCTCTTCCACCCCACCGCCAGTACT[GTC>G]TGCACCTCTTTCTCCTTCCCTCCTCCGGACTGCCCCGAGGAAACTTTTGCCGAAAAGCTT-3'

ClinVar aggregate classification (germline): Uncertain significance (1 of 4 stars; one submission).

Conditions:
Neuropathy, hereditary sensory and autonomic, type 2A (HSAN2A). Also called: ACROOSTEOLYSIS, GIACCAI TYPE; ACROOSTEOLYSIS, NEUROGENIC; WNK1-Related HSAN2 (HSAN2A); HSAN IIA; MORVAN DISEASE; NEUROPATHY, CONGENITAL SENSORY. Identifiers: Orphanet 970, MedGen C2752089, MONDO:0024309, OMIM 201300.
Pseudohypoaldosteronism type 2C (PHA2C). Also called: Pseudohypoaldosteronism Type IIC. Identifiers: Orphanet 757, Orphanet 88940, MedGen C1840391, MONDO:0013778, OMIM 614492.

Submission:

Labcorp Genetics (formerly Invitae), Labcorp
Classification: Uncertain significance for Neuropathy, hereditary sensory and autonomic, type 2A; Pseudohypoaldosteronism type 2C. Last evaluated: 2022-06-03. Review status: criteria provided, single submitter. Criteria: Invitae Variant Classification Sherloc (09022015). Collection method: clinical testing. Allele origin: germline.
Comment: This sequence change creates a premature translational stop signal (p.Cys749Hisfs*21) in the WNK1 gene. However, it is currently unclear if variants that occur in this region of the gene cause disease. This variant is not present in population databases (gnomAD no frequency). In summary, the available evidence is currently insufficient to determine the role of this variant in disease. Therefore, it has been classified as a Variant of Uncertain Significance. ClinVar contains an entry for this variant (Variation ID: 959561). This variant has not been reported in the literature in individuals affected with WNK1-related conditions.